The following is an entry in ClinVar:

ClinVar aggregate classification (germline): Benign/Likely benign. Review status: criteria provided, multiple submitters, no conflicts (2 of 4 stars). 3 submissions from 3 submitters: Benign (1); Likely benign (2). Last evaluated 2025-01-22.

Conditions:
Hereditary cancer-predisposing syndrome. Also called: Hereditary neoplastic syndrome; Hereditary Cancer Syndrome; Neoplastic Syndromes, Hereditary; Tumor predisposition. Identifiers: Orphanet 140162, MedGen C0027672, MeSH D009386, MONDO:0015356.
Familial cancer of breast. Also called: hereditary breast carcinoma; BREAST CANCER, FAMILIAL; Hereditary breast cancer. Identifiers: Orphanet 227535, MedGen C0346153, MONDO:0016419, OMIM 114480. Disease mechanism: loss of function.

Submissions (3):

Myriad Genetics, Inc.
Classification: Benign for Familial cancer of breast. Last evaluated: 2025-01-22. Review status: criteria provided, single submitter. Criteria: Myriad Autosomal Dominant, Autosomal Recessive and X-Linked Classification Criteria (2023). Collection method: clinical testing. Allele origin: unknown.
Comment: This variant is considered benign. This variant is a silent/synonymous amino acid change and it is not expected to impact splicing.

Labcorp Genetics (formerly Invitae), Labcorp
Classification: Likely benign for Familial cancer of breast. Last evaluated: 2024-04-30. Review status: criteria provided, single submitter. Criteria: Invitae Variant Classification Sherloc (09022015). Collection method: clinical testing. Allele origin: germline.

Color Diagnostics, LLC DBA Color Health
Classification: Likely benign for Hereditary cancer-predisposing syndrome. Last evaluated: 2023-03-06. Review status: criteria provided, single submitter. Criteria: ACMG Guidelines, 2015. Collection method: clinical testing. Allele origin: germline.

NM_024675.4(PALB2):c.3378C>T (p.His1126=)

Gene: PALB2 (partner and localizer of BRCA2; minus strand). Cytogenetic location: 16p12.2.
Variant type: single nucleotide variant.
Coding change: c.3378C>T on transcript NM_024675.4 (MANE Select); coding-DNA position 3378, C replaced by T.
Protein change: p.His1126=; no amino-acid change (histidine 1126 retained).
Molecular consequence: synonymous variant. On other transcripts: 3 prime UTR variant (5).
Genome position (GRCh38, 1-based): chr16:23,603,642, G>A on the plus strand (C>T on the coding strand, the complement: PALB2 is on the minus strand). VCF-style: chr16-23603642-G-A. GRCh37 (hg19) VCF-style: chr16-23614963-G-A.
Other names: c.3318C>T, p.His1106= (NM_001407296.1); c.3306C>T, p.His1102= (NM_001407297.1); c.3216C>T, p.His1072= (NM_001407298.1); c.3141C>T, p.His1047= (NM_001407299.1); c.3099C>T, p.His1033= (NM_001407300.1); c.*13C>T (NM_001407301.1, NM_001407302.1, NM_001407310.1 and 2 more transcripts); c.2493C>T, p.His831= (NM_001407304.1, NM_001407305.1, NM_001407306.1); c.2331C>T, p.His777= (NM_001407307.1); and 3 more.
Identifiers: ClinVar variation 2773992 (VCV002773992.5), dbSNP rs2506197725, ClinGen allele CA494173785.